The following is an entry in ClinVar:

ClinVar aggregate classification (germline): Conflicting classifications of pathogenicity. Review status: criteria provided, conflicting classifications (1 of 4 stars). 3 submissions from 3 submitters: Uncertain significance (2); Benign (1). Last evaluated 2026-03-09.

Conditions:
Nemaline myopathy 2 (NEM2). Also called: Nemaline myopathy 2, autosomal recessive. Identifiers: MedGen C1850569, MONDO:0009725, OMIM 256030.

Allele frequency attached by ClinVar (database versions not stated): gnomAD 0.00003 and 0.00004; TOPMed 0.00003; gnomAD exomes 0.00007 and 0.00008; ExAC 0.00014; 1000 Genomes Project 30x 0.00016; 1000 Genomes Project 0.00020.
gnomAD v4.1: 117 of 1,612,998 alleles (0.0073%); highest among the groups gnomAD compares: East Asian, 0.058%; no homozygotes.

Submissions (3):

Women's Health and Genetics/Laboratory Corporation of America, LabCorp
Classification: Uncertain significance. Last evaluated: 2026-03-09. Review status: criteria provided, single submitter. Criteria: LabCorp Variant Classification Summary - May 2015. Collection method: clinical testing. Allele origin: germline.
Comment: Variant summary: NEB c.586G>A (p.Val196Ile) results in a conservative amino acid change in the encoded protein sequence. Algorithms developed to predict the effect of missense changes on protein structure and function all suggest that this variant is likely to be tolerated. The variant allele was found at a frequency of 8.5e-05 in 247896 control chromosomes. This frequency is not significantly higher than estimated for disease-causing variants in NEB, allowing no conclusion about variant significance. To our knowledge, no occurrence of c.586G>A in individuals affected with NEB-related conditions and no experimental evidence demonstrating its impact on protein function have been reported. ClinVar contains an entry for this variant (Variation ID: 1347723). Based on the evidence outlined above, the variant was classified as uncertain significance.

Labcorp Genetics (formerly Invitae), Labcorp
Classification: Benign for Nemaline myopathy 2. Last evaluated: 2026-02-04. Review status: criteria provided, single submitter. Criteria: Invitae Variant Classification Sherloc (09022015). Collection method: clinical testing. Allele origin: germline.

Revvity Omics, Revvity
Classification: Uncertain significance. Last evaluated: 2021-03-11. Review status: criteria provided, single submitter. Criteria: ACMG Guidelines, 2015. Collection method: clinical testing. Allele origin: germline.

NM_001164508.2(NEB):c.586G>A (p.Val196Ile)

Gene: NEB (nebulin; minus strand). Cytogenetic location: 2q23.3.
Variant type: single nucleotide variant.
Coding change: c.586G>A on transcript NM_001164508.2 (MANE Select); coding-DNA position 586, G replaced by A.
Protein change: p.Val196Ile; replaces valine 196 with isoleucine.
Molecular consequence: missense variant.
Genome position (GRCh38, 1-based): chr2:151,724,286, C>T on the plus strand (G>A on the coding strand, the complement: NEB is on the minus strand). VCF-style: chr2-151724286-C-T. GRCh37 (hg19) VCF-style: chr2-152580800-C-T.
Other names: c.586G>A, p.Val196Ile (NM_001164507.2, NM_001271208.2, NM_004543.5); short protein forms V196I.
Identifiers: ClinVar variation 1347723 (VCV001347723.9), dbSNP rs201433028, ClinGen allele CA1911859.